The following is an entry in ClinVar:

NM_001374353.1(GLI2):c.3791G>A (p.Gly1264Glu)

Gene: GLI2 (GLI family zinc finger 2; plus strand). Cytogenetic location: 2q14.2.
Variant type: single nucleotide variant.
Coding change: c.3791G>A on transcript NM_001374353.1 (MANE Select); coding-DNA position 3791, G replaced by A.
Protein change: p.Gly1264Glu; replaces glycine 1264 with glutamic acid.
Molecular consequence: missense variant.
Genome position (GRCh38, 1-based): chr2:120,989,756, G>A. VCF-style: chr2-120989756-G-A. GRCh37 (hg19) VCF-style: chr2-121747332-G-A.
Other names: c.3842G>A, p.Gly1281Glu (NM_001371271.1, NM_005270.5); c.3416G>A, p.Gly1139Glu (NM_001374354.1); short protein forms G1281E, G1264E, G1139E.
Identifiers: ClinVar variation 3572750 (VCV003572750.1).
Genomic context (GRCh38, chr2:120,989,756, plus strand): 5'-GGGCCCTCAACCAGTTCCCCCAATCCTGCAGCAACATGCCAGCCAAGCCAGGGCATCTGG[G>A]GCACCCTCAGCAGACAGAAGTGGCACCTGACCCCACCACGATGGGCAATCGCCACAGGGA-3'
Protein context (NP_001361282.1, residues 1254-1274): SNMPAKPGHL[Gly1264Glu]HPQQTEVAPD

ClinVar aggregate classification (germline): Uncertain significance (1 of 4 stars; one submission).

Submission:

GeneDx
Classification: Uncertain significance. Last evaluated: 2024-07-12. Review status: criteria provided, single submitter. Criteria: GeneDx Variant Classification Process June 2021. Collection method: clinical testing. Allele origin: germline. Affected: yes.
Comment: Not observed at significant frequency in large population cohorts (gnomAD); In silico analysis indicates that this missense variant does not alter protein structure/function; Has not been previously published as pathogenic or benign to our knowledge